The following is an entry in ClinVar:

ClinVar aggregate classification (germline): Uncertain significance (1 of 4 stars; one submission).

Submission:

Women's Health and Genetics/Laboratory Corporation of America, LabCorp
Classification: Uncertain significance. Last evaluated: 2025-12-09. Review status: criteria provided, single submitter. Criteria: LabCorp Variant Classification Summary - May 2015. Collection method: clinical testing. Allele origin: germline.
Comment: Variant summary: TTN c.49030G>A (p.Gly16344Arg) results in a non-conservative amino acid change in the encoded protein sequence. Algorithms developed to predict the effect of missense changes on protein structure and function are either unavailable or do not agree on the potential impact of this missense change. The variant was absent in 244978 control chromosomes. The available data on variant occurrences in the general population are insufficient to allow any conclusion about variant significance. To our knowledge, no occurrence of c.49030G>A in individuals affected with TTN-related conditions and no experimental evidence demonstrating its impact on protein function have been reported. No submitters have cited clinical-significance assessments for this variant to ClinVar. Based on the evidence outlined above, the variant was classified as uncertain significance.

NM_001267550.2(TTN):c.56734G>A (p.Gly18912Arg)

Genes: TTN (titin; minus strand), TTN-AS1 (TTN antisense RNA 1; plus strand). Cytogenetic location: 2q31.2.
Variant type: single nucleotide variant.
Coding change: c.56734G>A on transcript NM_001267550.2 (MANE Select); coding-DNA position 56734, G replaced by A.
Protein change: p.Gly18912Arg; replaces glycine 18912 with arginine.
Molecular consequence: missense variant.
Genome position (GRCh38, 1-based): chr2:178,598,976, C>T on the plus strand (G>A on the coding strand, the complement: TTN is on the minus strand). VCF-style: chr2-178598976-C-T. GRCh37 (hg19) VCF-style: chr2-179463703-C-T.
Other names: c.51811G>A, p.Gly17271Arg (NM_001256850.1); c.29539G>A, p.Gly9847Arg (NM_003319.4); c.49030G>A, p.Gly16344Arg (NM_133378.4); c.29914G>A, p.Gly9972Arg (NM_133432.3); c.30115G>A, p.Gly10039Arg (NM_133437.4); short protein forms G10039R, G16344R, G17271R, G18912R, G9847R, G9972R.
Identifiers: ClinVar variation 4688467 (VCV004688467.1).